The following is an entry in ClinVar:

ClinVar aggregate classification (germline): Uncertain significance (1 of 4 stars; one submission).

Conditions:
Hereditary cancer-predisposing syndrome. Also called: Hereditary Cancer Syndrome; Hereditary neoplastic syndrome; Neoplastic Syndromes, Hereditary; Tumor predisposition. Identifiers: Orphanet 140162, MedGen C0027672, MeSH D009386, MONDO:0015356.

Submission:

Ambry Genetics
Classification: Uncertain significance for Hereditary cancer-predisposing syndrome. Last evaluated: 2021-09-14. Review status: criteria provided, single submitter. Criteria: Ambry Variant Classification Scheme 2023. Collection method: clinical testing. Allele origin: germline.
Comment: The p.E484V variant (also known as c.1451A>T), located in coding exon 11 of the APC gene, results from an A to T substitution at nucleotide position 1451. The glutamic acid at codon 484 is replaced by valine, an amino acid with dissimilar properties. This amino acid position is highly conserved in available vertebrate species. In addition, in silico predictors for this gene do not accurately predict pathogenicity. Since supporting evidence is limited at this time, the clinical significance of this alteration remains unclear.

NM_000038.6(APC):c.1451A>T (p.Glu484Val)

Gene: APC (APC regulator of Wnt signaling pathway; plus strand). Cytogenetic location: 5q22.2.
Variant type: single nucleotide variant.
Coding change: c.1451A>T on transcript NM_000038.6 (MANE Select); coding-DNA position 1451, A replaced by T.
Protein change: p.Glu484Val; replaces glutamic acid 484 with valine.
Molecular consequence: missense variant.
Genome position (GRCh38, 1-based): chr5:112,827,150, A>T. VCF-style: chr5-112827150-A-T. GRCh37 (hg19) VCF-style: chr5-112162847-A-T.
Other names: c.1451A>T, p.Glu484Val (NM_001127510.3, NM_001354895.2, NM_001407450.1); c.1397A>T, p.Glu466Val (NM_001127511.3); c.1505A>T, p.Glu502Val (NM_001354896.2, NM_001407447.1, NM_001407448.1 and 1 more transcripts); c.1481A>T, p.Glu494Val (NM_001354897.2); c.1376A>T, p.Glu459Val (NM_001354898.2); c.1367A>T, p.Glu456Val (NM_001354899.2); c.1328A>T, p.Glu443Val (NM_001354900.2); c.1274A>T, p.Glu425Val (NM_001354901.2, NM_001407453.1); and 11 more; short protein forms E324V, E425V, E474V, E484V, E201V, E355V, E358V, E443V.
Identifiers: ClinVar variation 1772958 (VCV001772958.2), dbSNP rs2533194928, ClinGen allele CA16024482.